The following is an entry in ClinVar:

NM_007294.4(BRCA1):c.1121C>T (p.Thr374Ile)

Gene: BRCA1 (BRCA1 DNA repair associated; minus strand). Cytogenetic location: 17q21.31.
Variant type: single nucleotide variant.
Coding change: c.1121C>T on transcript NM_007294.4 (MANE Select); coding-DNA position 1121, C replaced by T.
Protein change: p.Thr374Ile; replaces threonine 374 with isoleucine.
Molecular consequence: missense variant. On other transcripts: intron variant (137).
Genome position (GRCh38, 1-based): chr17:43,094,410, G>A on the plus strand (C>T on the coding strand, the complement: BRCA1 is on the minus strand). VCF-style: chr17-43094410-G-A. GRCh37 (hg19) VCF-style: chr17-41246427-G-A.
Other names: c.908C>T, p.Thr303Ile (NM_001407571.1, NM_001407853.1, NM_001407894.1 and 9 more transcripts); c.1121C>T, p.Thr374Ile (NM_001407581.1, NM_001407582.1, NM_001407583.1 and 30 more transcripts); c.1118C>T, p.Thr373Ile (NM_001407587.1, NM_001407590.1, NM_001407591.1 and 22 more transcripts); c.1112C>T, p.Thr371Ile (NM_001407646.1, NM_001407647.1); c.998C>T, p.Thr333Ile (NM_001407648.1, NM_001407664.1, NM_001407665.1 and 19 more transcripts); c.995C>T, p.Thr332Ile (NM_001407649.1, NM_001407670.1, NM_001407671.1 and 11 more transcripts); c.1043C>T, p.Thr348Ile (NM_001407653.1, NM_001407654.1, NM_001407655.1 and 4 more transcripts); c.1040C>T, p.Thr347Ile (NM_001407659.1, NM_001407660.1, NM_001407661.1 and 1 more transcripts); and 40 more; short protein forms T374I, T327I, T285I, T371I, T206I, T303I, T304I, T347I.
Identifiers: ClinVar variation 54136 (VCV000054136.16), dbSNP rs80357235, ClinGen allele CA000750.

ClinVar aggregate classification (germline): Conflicting classifications of pathogenicity. Review status: criteria provided, conflicting classifications (1 of 4 stars). 5 submissions from 5 submitters: Uncertain significance (3); Likely benign (1). 1 of the submissions does not count toward it. Last evaluated 2024-05-29.

Conditions:
Hereditary cancer-predisposing syndrome. Also called: Tumor predisposition; Neoplastic Syndromes, Hereditary; Hereditary Cancer Syndrome; Hereditary neoplastic syndrome. Identifiers: Orphanet 140162, MedGen C0027672, MeSH D009386, MONDO:0015356.
Hereditary breast ovarian cancer syndrome. Also called: Hereditary breast and ovarian cancer syndrome (HBOC); Hereditary breast and ovarian cancer syndrome; Hereditary breast and ovarian cancer; Hereditary breast and/or ovarian cancer syndrome; Breast and ovarian cancer; BRCA1- and BRCA2-Associated Hereditary Breast and Ovarian Cancer. Identifiers: Orphanet 145, MedGen C0677776, MeSH D061325, MONDO:0003582. Disease mechanism: loss of function.
Breast-ovarian cancer, familial, susceptibility to, 1 (BROVCA1). Also called: OVARIAN CANCER, SUSCEPTIBILITY TO; BRCA1 Hereditary Breast and Ovarian Cancer. Identifiers: Orphanet 145, MedGen C2676676, MONDO:0011450, OMIM 604370. Disease mechanism: loss of function.

Allele frequency attached by ClinVar (database versions not stated): gnomAD exomes below 0.00001.
gnomAD v4.1: 1 of 1,614,120 alleles (0.000062%); highest among the groups gnomAD compares: Non-Finnish European, 0.000085%; no homozygotes.

Submissions (5):

Ambry Genetics
Classification: Uncertain significance for Hereditary cancer-predisposing syndrome. Last evaluated: 2024-05-29. Review status: criteria provided, single submitter. Criteria: Ambry Variant Classification Scheme 2023. Collection method: clinical testing. Allele origin: germline.
Comment: The p.T374I variant (also known as c.1121C>T), located in coding exon 9 of the BRCA1 gene, results from a C to T substitution at nucleotide position 1121. The threonine at codon 374 is replaced by isoleucine, an amino acid with similar properties. This alteration (designated 1240C>T) has been identified in a Spanish breast cancer family (D&iacute;ez O et al, Int. J. Cancer 1999 Nov; 83(4):465-9). This amino acid position is well conserved in available vertebrate species. In addition, this alteration is predicted to be deleterious by in silico analysis. Based on the available evidence, the clinical significance of this variant remains unclear.

University of Washington Department of Laboratory Medicine, University of Washington
Classification: Likely benign for Hereditary cancer-predisposing syndrome. Last evaluated: 2023-03-23. Review status: criteria provided, single submitter. Criteria: Dines et al. (Genet Med. 2020). Collection method: curation. Allele origin: germline.
Comment: Missense variant in a coldspot region where missense variants are very unlikely to be pathogenic (PMID:31911673).

BRCA1 coldspot (exon 11 using historical exon numbering). Reclassification based on statistical prior probability

Labcorp Genetics (formerly Invitae), Labcorp
Classification: Uncertain significance for Hereditary breast ovarian cancer syndrome. Last evaluated: 2022-07-10. Review status: criteria provided, single submitter. Criteria: Invitae Variant Classification Sherloc (09022015). Collection method: clinical testing. Allele origin: germline.
Comment: In summary, the available evidence is currently insufficient to determine the role of this variant in disease. Therefore, it has been classified as a Variant of Uncertain Significance. Advanced modeling of protein sequence and biophysical properties (such as structural, functional, and spatial information, amino acid conservation, physicochemical variation, residue mobility, and thermodynamic stability) performed at Invitae indicates that this missense variant is not expected to disrupt BRCA1 protein function. This sequence change replaces threonine, which is neutral and polar, with isoleucine, which is neutral and non-polar, at codon 374 of the BRCA1 protein (p.Thr374Ile). This variant is not present in population databases (gnomAD no frequency). This missense change has been observed in individual(s) with breast and/or ovarian cancer (PMID: 10508480). ClinVar contains an entry for this variant (Variation ID: 54136).

Women's Health and Genetics/Laboratory Corporation of America, LabCorp
Classification: Uncertain significance. Last evaluated: 2021-03-21. Review status: criteria provided, single submitter. Criteria: LabCorp Variant Classification Summary - May 2015. Collection method: clinical testing. Allele origin: germline.
Comment: Variant summary: BRCA1 c.1121C>T (p.Thr374Ile) results in a non-conservative amino acid change located in the BRCA1, serine-rich domain (IPR025994) of the encoded protein sequence. Four of five in-silico tools predict a damaging effect of the variant on protein function. The variant was absent in 251220 control chromosomes. The available data on variant occurrences in the general population are insufficient to allow any conclusion about variant significance. c.1121C>T has been reported in the literature under a legacy nomenclature of 1240C>T in a family with individuals affected with Hereditary Breast And Ovarian Cancer Syndrome (Diez_1999). In this family it was reported to co-occur in cis with another adjacent truncation variant reported as 1241delC. The PTT (protein truncation testing) identified a truncated protein product in the probands sample. This report does not provide unequivocal conclusions about association of the variant in isolation with Hereditary Breast And Ovarian Cancer Syndrome. To our knowledge, no conclusive experimental evidence demonstrating an impact on protein function has been reported. One clinical diagnostic laboratory has submitted clinical-significance assessments for this variant to ClinVar after 2014 without evidence for independent evaluation and classified the variant as uncertain significance. Based on the evidence outlined above, the variant was classified as uncertain significance.

Breast Cancer Information Core (BIC) (BRCA1)
Classification: Uncertain significance for Breast-ovarian cancer, familial 1. Last evaluated: 1999-01-15. Review status: no assertion criteria provided. Collection method: clinical testing. Allele origin: germline. Affected: yes. Observed: 1 variant allele. Not counted in ClinVar's aggregate classification.

Literature cited by the submitters: PubMed 10508480 (cited by 3 submitters); PubMed 16518693 (cited by Women's Health and Genetics/Laboratory Corporation of America, LabCorp).